The following is an entry in ClinVar:

NM_153741.2(DPM3):c.248C>T (p.Ala83Val)

Gene: DPM3 (dolichyl-phosphate mannosyltransferase subunit 3, regulatory; minus strand). Cytogenetic location: 1q22.
Variant type: single nucleotide variant.
Coding change: c.248C>T on transcript NM_153741.2 (MANE Select); coding-DNA position 248, C replaced by T.
Protein change: p.Ala83Val; replaces alanine 83 with valine.
Molecular consequence: missense variant.
Genome position (GRCh38, 1-based): chr1:155,139,993, G>A on the plus strand (C>T on the coding strand, the complement: DPM3 is on the minus strand). VCF-style: chr1-155139993-G-A. GRCh37 (hg19) VCF-style: chr1-155112469-G-A.
Other names: c.338C>T, p.Ala113Val (NM_018973.4); short protein forms A113V, A83V.
Identifiers: ClinVar variation 1383874 (VCV001383874.6), dbSNP rs777586354, ClinGen allele CA1138405.

ClinVar aggregate classification (germline): Uncertain significance (1 of 4 stars; one submission).

Conditions:
DPM3-congenital disorder of glycosylation (MDDGC15). Also called: CDG Io; CDG1(DPM3); MUSCULAR DYSTROPHY-DYSTROGLYCANOPATHY (LIMB-GIRDLE), TYPE C, 15; DPM3-CDG. Identifiers: Orphanet 263494, MedGen C2752007, MONDO:0013049, OMIM 612937.

Allele frequency attached by ClinVar (database versions not stated): gnomAD exomes below 0.00001; ExAC 0.00001; TOPMed 0.00003; gnomAD 0.00005 and 0.00006.
gnomAD v4.1: 14 of 1,613,128 alleles (0.00087%); highest among the groups gnomAD compares: African/African-American, 0.019%; no homozygotes.

Submission:

Labcorp Genetics (formerly Invitae), Labcorp
Classification: Uncertain significance for DPM3-congenital disorder of glycosylation. Last evaluated: 2022-10-25. Review status: criteria provided, single submitter. Criteria: Invitae Variant Classification Sherloc (09022015). Collection method: clinical testing. Allele origin: germline.
Comment: In summary, the available evidence is currently insufficient to determine the role of this variant in disease. Therefore, it has been classified as a Variant of Uncertain Significance. Algorithms developed to predict the effect of missense changes on protein structure and function are either unavailable or do not agree on the potential impact of this missense change (SIFT: "Tolerated"; PolyPhen-2: "Possibly Damaging"; Align-GVGD: "Class C0"). ClinVar contains an entry for this variant (Variation ID: 1383874). This variant has not been reported in the literature in individuals affected with DPM3-related conditions. This variant is present in population databases (rs777586354, gnomAD 0.01%). This sequence change replaces alanine, which is neutral and non-polar, with valine, which is neutral and non-polar, at codon 83 of the DPM3 protein (p.Ala83Val).